The following is an entry in ClinVar:

NM_000435.3(NOTCH3):c.3950C>G (p.Pro1317Arg)

Gene: NOTCH3 (notch receptor 3; minus strand). Cytogenetic location: 19p13.12.
Variant type: single nucleotide variant.
Coding change: c.3950C>G on transcript NM_000435.3 (MANE Select); coding-DNA position 3950, C replaced by G.
Protein change: p.Pro1317Arg; replaces proline 1317 with arginine.
Molecular consequence: missense variant.
Genome position (GRCh38, 1-based): chr19:15,177,978, G>C on the plus strand (C>G on the coding strand, the complement: NOTCH3 is on the minus strand). VCF-style: chr19-15177978-G-C. GRCh37 (hg19) VCF-style: chr19-15288789-G-C.
Other names: short protein forms P1317R.
Identifiers: ClinVar variation 3619449 (VCV003619449.2).

ClinVar aggregate classification (germline): Uncertain significance (1 of 4 stars; one submission).

gnomAD v4.1: 25 of 1,420,144 alleles (0.0018%); highest among the groups gnomAD compares: Non-Finnish European, 0.0021%; no homozygotes.

Submission:

Labcorp Genetics (formerly Invitae), Labcorp
Classification: Uncertain significance. Last evaluated: 2025-03-25. Review status: criteria provided, single submitter. Criteria: Invitae Variant Classification Sherloc (09022015). Collection method: clinical testing. Allele origin: germline.
Comment: This sequence change replaces proline, which is neutral and non-polar, with arginine, which is basic and polar, at codon 1317 of the NOTCH3 protein (p.Pro1317Arg). This variant is not present in population databases (gnomAD no frequency). This variant has not been reported in the literature in individuals affected with NOTCH3-related conditions. Invitae Evidence Modeling of protein sequence and biophysical properties (such as structural, functional, and spatial information, amino acid conservation, physicochemical variation, residue mobility, and thermodynamic stability) indicates that this missense variant is not expected to disrupt NOTCH3 protein function with a negative predictive value of 95%. In summary, the available evidence is currently insufficient to determine the role of this variant in disease. Therefore, it has been classified as a Variant of Uncertain Significance.